The following is an entry in ClinVar:

NM_005045.4(RELN):c.7722C>A (p.Phe2574Leu)

Gene: RELN (reelin; minus strand). Cytogenetic location: 7q22.1.
Variant type: single nucleotide variant.
Coding change: c.7722C>A on transcript NM_005045.4 (MANE Select); coding-DNA position 7722, C replaced by A.
Protein change: p.Phe2574Leu; replaces phenylalanine 2574 with leucine.
Molecular consequence: missense variant.
Genome position (GRCh38, 1-based): chr7:103,519,463, G>T on the plus strand (C>A on the coding strand, the complement: RELN is on the minus strand). VCF-style: chr7-103519463-G-T. GRCh37 (hg19) VCF-style: chr7-103159910-G-T.
Other names: c.7722C>A, p.Phe2574Leu (NM_173054.3); short protein forms F2574L.
Identifiers: ClinVar variation 1375141 (VCV001375141.8), dbSNP rs2117085900, ClinGen allele CA368765229.

ClinVar aggregate classification (germline): Uncertain significance (1 of 4 stars; one submission).

Conditions:
Norman-Roberts syndrome (LIS2). Also called: Lissencephaly 2 (Norman-Roberts type). Identifiers: Orphanet 89844, MedGen C0796089, MONDO:0009760, OMIM 257320.
Familial temporal lobe epilepsy 7. Identifiers: Orphanet 101046, MedGen C4225327, MONDO:0014639, OMIM 616436.

Submission:

Labcorp Genetics (formerly Invitae), Labcorp
Classification: Uncertain significance for Familial temporal lobe epilepsy 7; Norman-Roberts syndrome. Last evaluated: 2022-07-27. Review status: criteria provided, single submitter. Criteria: Invitae Variant Classification Sherloc (09022015). Collection method: clinical testing. Allele origin: germline.
Comment: This sequence change replaces phenylalanine, which is neutral and non-polar, with leucine, which is neutral and non-polar, at codon 2574 of the RELN protein (p.Phe2574Leu). This variant is not present in population databases (gnomAD no frequency). This variant has not been reported in the literature in individuals affected with RELN-related conditions. ClinVar contains an entry for this variant (Variation ID: 1375141). Algorithms developed to predict the effect of missense changes on protein structure and function are either unavailable or do not agree on the potential impact of this missense change (SIFT: "Deleterious"; PolyPhen-2: "Probably Damaging"; Align-GVGD: "Class C0"). Algorithms developed to predict the effect of sequence changes on RNA splicing suggest that this variant may disrupt the consensus splice site. In summary, the available evidence is currently insufficient to determine the role of this variant in disease. Therefore, it has been classified as a Variant of Uncertain Significance.